The following is an entry in ClinVar:

NM_001330.5(CTF1):c.590C>T (p.Pro197Leu)

Genes: CTF1 (cardiotrophin 1; plus strand), LOC130058878 (ATAC-STARR-seq lymphoblastoid silent region 7400; plus strand). Cytogenetic location: 16p11.2.
Variant type: single nucleotide variant.
Coding change: c.590C>T on transcript NM_001330.5 (MANE Select); coding-DNA position 590, C replaced by T.
Protein change: p.Pro197Leu; replaces proline 197 with leucine.
Molecular consequence: missense variant. On other transcripts: non-coding transcript variant (1).
Genome position (GRCh38, 1-based): chr16:30,902,523, C>T. VCF-style: chr16-30902523-C-T. GRCh37 (hg19) VCF-style: chr16-30913844-C-T.
Other names: c.587C>T, p.Pro196Leu (NM_001142544.3); short protein forms P197L, P196L.
Identifiers: ClinVar variation 2989398 (VCV002989398.3), dbSNP rs1334740549, ClinGen allele CA395619860.

ClinVar aggregate classification (germline): Uncertain significance (1 of 4 stars; one submission).

Allele frequency attached by ClinVar (database versions not stated): gnomAD 0.00001; gnomAD exomes 0.00001.

Submission:

Labcorp Genetics (formerly Invitae), Labcorp
Classification: Uncertain significance. Last evaluated: 2023-12-12. Review status: criteria provided, single submitter. Criteria: Invitae Variant Classification Sherloc (09022015). Collection method: clinical testing. Allele origin: germline.
Comment: This sequence change replaces proline, which is neutral and non-polar, with leucine, which is neutral and non-polar, at codon 197 of the CTF1 protein (p.Pro197Leu). The frequency data for this variant in the population databases is considered unreliable, as metrics indicate poor data quality at this position in the gnomAD database. This variant has not been reported in the literature in individuals affected with CTF1-related conditions. An algorithm developed to predict the effect of missense changes on protein structure and function (PolyPhen-2) suggests that this variant is likely to be disruptive. In summary, the available evidence is currently insufficient to determine the role of this variant in disease. Therefore, it has been classified as a Variant of Uncertain Significance.